The following is an entry in ClinVar:

ClinVar aggregate classification (germline): Likely benign (1 of 4 stars; one submission).

Conditions:
Malignant hyperthermia, susceptibility to, 5 (MHS5). Also called: CACNA1S-Related Malignant Hyperthermia Susceptibility. Identifiers: Orphanet 423, MedGen C1866077, MONDO:0011163, OMIM 601887.

Submission:

All of Us Research Program, National Institutes of Health
Classification: Likely benign for Malignant hyperthermia, susceptibility to, 5. Last evaluated: 2023-08-28. Review status: criteria provided, single submitter. Criteria: ACMG Guidelines, 2015. Collection method: clinical testing. Allele origin: germline. Inheritance: Autosomal dominant inheritance. Observed: 1 variant allele, 1 heterozygote.
Comment: This study involves interpretation of variants in research participants for the purpose of population health screening. Participant phenotype was not available at the time of variant classification. Additional details can be found in publication PMID: 35346344, PMCID: PMC8962531

NM_000069.3(CACNA1S):c.4398A>C (p.Thr1466=)

Gene: CACNA1S (calcium voltage-gated channel subunit alpha1 S; minus strand). Cytogenetic location: 1q32.1.
Variant type: single nucleotide variant.
Coding change: c.4398A>C on transcript NM_000069.3 (MANE Select); coding-DNA position 4398, A replaced by C.
Protein change: p.Thr1466=; no amino-acid change (threonine 1466 retained).
Molecular consequence: synonymous variant.
Genome position (GRCh38, 1-based): chr1:201,048,625, T>G on the plus strand (A>C on the coding strand, the complement: CACNA1S is on the minus strand). VCF-style: chr1-201048625-T-G. GRCh37 (hg19) VCF-style: chr1-201017753-T-G.
Identifiers: ClinVar variation 3073165 (VCV003073165.1), dbSNP rs2464435561, ClinGen allele CA422718798.